The following is an entry in ClinVar:

NM_018180.3(DHX32):c.2189G>T (p.Cys730Phe)

Genes: BCCIP (BRCA2 and CDKN1A interacting protein; plus strand), DHX32 (DEAH-box helicase 32 (putative); minus strand). Cytogenetic location: 10q26.2.
Variant type: single nucleotide variant.
Coding change: c.2189G>T on transcript NM_018180.3 (MANE Select); coding-DNA position 2189, G replaced by T.
Protein change: p.Cys730Phe; replaces cysteine 730 with phenylalanine.
Molecular consequence: missense variant. On other transcripts: intron variant (2).
Genome position (GRCh38, 1-based): chr10:125,836,730, C>A on the plus strand (G>T on the coding strand, the complement: DHX32 is on the minus strand). VCF-style: chr10-125836730-C-A. GRCh37 (hg19) VCF-style: chr10-127525299-C-A.
Other names: c.774+2784C>A (NM_016567.4, NM_078469.3); short protein forms C730F.
Identifiers: ClinVar variation 1956477 (VCV001956477.5), dbSNP rs199520716, ClinGen allele CA5738940.
Genomic context (GRCh38, chr10:125,836,730, plus strand): 5'-TTGTGTTTGCTGGGGAGTCACTGGAGAGTGCATCTCTGTTCAGTTTCAGGGCACGTCTCA[C>A]ACATTTGCTGTTCCTTATTCATTGTTGACACAGGGGATAGGTGATCCACTACTTGCTGTA-3'
Protein context (NP_060650.2, residues 720-740): VSTMNKEQQM[Cys730Phe]ETCPETEQRC

ClinVar aggregate classification (germline): Uncertain significance (1 of 4 stars; one submission).

Allele frequency attached by ClinVar (database versions not stated): gnomAD exomes 0.00001; ExAC 0.00002.
gnomAD v4.1: 4 of 1,614,208 alleles (0.00025%); highest among the groups gnomAD compares: East Asian, 0.0089%; no homozygotes.

Submission:

Labcorp Genetics (formerly Invitae), Labcorp
Classification: Uncertain significance. Last evaluated: 2022-10-18. Review status: criteria provided, single submitter. Criteria: Invitae Variant Classification Sherloc (09022015). Collection method: clinical testing. Allele origin: germline.
Comment: In summary, the available evidence is currently insufficient to determine the role of this variant in disease. Therefore, it has been classified as a Variant of Uncertain Significance. Algorithms developed to predict the effect of missense changes on protein structure and function (SIFT, PolyPhen-2, Align-GVGD) all suggest that this variant is likely to be tolerated. This variant has not been reported in the literature in individuals affected with DHX32-related conditions. This variant is present in population databases (rs199520716, gnomAD 0.02%). This sequence change replaces cysteine, which is neutral and slightly polar, with phenylalanine, which is neutral and non-polar, at codon 730 of the DHX32 protein (p.Cys730Phe).